The following is an entry in ClinVar:

ClinVar aggregate classification (germline): Uncertain significance (1 of 4 stars; one submission).

Conditions:
Gnathodiaphyseal dysplasia (GDD). Also called: GNATHODIAPHYSEAL SCLEROSIS; OSTEOGENESIS IMPERFECTA WITH UNUSUAL SKELETAL LESIONS. Identifiers: Orphanet 53697, MedGen C1833736, MONDO:0008151, OMIM 166260.
Autosomal recessive limb-girdle muscular dystrophy type 2L (LGMDR12). Also called: Limb-girdle muscular dystrophy, type 2L; MUSCULAR DYSTROPHY, LIMB-GIRDLE, AUTOSOMAL RECESSIVE 12; Limb-Girdle Muscular Dystrophy R12 Anoctamin-5-Related (LGMD-R12). Identifiers: Orphanet 206549, MedGen C1969785, MONDO:0012652, OMIM 611307.

gnomAD v4.1: 1 of 1,614,128 alleles (0.000062%); no homozygotes.

Submission:

Labcorp Genetics (formerly Invitae), Labcorp
Classification: Uncertain significance for Autosomal recessive limb-girdle muscular dystrophy type 2L; Gnathodiaphyseal dysplasia. Last evaluated: 2024-08-04. Review status: criteria provided, single submitter. Criteria: Invitae Variant Classification Sherloc (09022015). Collection method: clinical testing. Allele origin: germline.
Comment: This sequence change replaces leucine, which is neutral and non-polar, with valine, which is neutral and non-polar, at codon 667 of the ANO5 protein (p.Leu667Val). This variant is not present in population databases (gnomAD no frequency). This variant has not been reported in the literature in individuals affected with ANO5-related conditions. Advanced modeling of protein sequence and biophysical properties (such as structural, functional, and spatial information, amino acid conservation, physicochemical variation, residue mobility, and thermodynamic stability) has been performed at Invitae for this missense variant, however the output from this modeling did not meet the statistical confidence thresholds required to predict the impact of this variant on ANO5 protein function. In summary, the available evidence is currently insufficient to determine the role of this variant in disease. Therefore, it has been classified as a Variant of Uncertain Significance.

NM_213599.3(ANO5):c.1999C>G (p.Leu667Val)

Gene: ANO5 (anoctamin 5; plus strand). Cytogenetic location: 11p14.3.
Variant type: single nucleotide variant.
Coding change: c.1999C>G on transcript NM_213599.3 (MANE Select); coding-DNA position 1999, C replaced by G.
Protein change: p.Leu667Val; replaces leucine 667 with valine.
Molecular consequence: missense variant.
Genome position (GRCh38, 1-based): chr11:22,270,412, C>G. VCF-style: chr11-22270412-C-G. GRCh37 (hg19) VCF-style: chr11-22291958-C-G.
Other names: c.1996C>G, p.Leu666Val (NM_001142649.2); c.1957C>G, p.Leu653Val (NM_001410963.1); c.1954C>G, p.Leu652Val (NM_001410964.1); short protein forms L652V, L653V, L666V, L667V.
Identifiers: ClinVar variation 3753376 (VCV003753376.2).
Genomic context (GRCh38, chr11:22,270,412, plus strand): 5'-AACTCTGAGAAGCTGTATAGTCGATGGGAGCAGGATCATGACCTTGAAAGTTTTGGACCC[C>G]TTGGGCTTTTCTATGAGTACTTAGAAACAGGTAATTTTTAACCACTGTTTTGAAACATAG-3'
Protein context (NP_998764.1, residues 657-677): QDHDLESFGP[Leu667Val]GLFYEYLETV